The following is an entry in ClinVar:

NM_004385.5(VCAN):c.170A>C (p.Asn57Thr)

Gene: VCAN (versican; plus strand). Cytogenetic location: 5q14.2.
Variant type: single nucleotide variant.
Coding change: c.170A>C on transcript NM_004385.5 (MANE Select); coding-DNA position 170, A replaced by C.
Protein change: p.Asn57Thr; replaces asparagine 57 with threonine.
Molecular consequence: missense variant.
Genome position (GRCh38, 1-based): chr5:83,490,197, A>C. VCF-style: chr5-83490197-A-C. GRCh37 (hg19) VCF-style: chr5-82786016-A-C.
Other names: c.170A>C, p.Asn57Thr (NM_001126336.3, NM_001164097.2, NM_001164098.2); short protein forms N57T.
Identifiers: ClinVar variation 2840280 (VCV002840280.3), dbSNP rs2478963803, ClinGen allele CA360295087.

ClinVar aggregate classification (germline): Uncertain significance (1 of 4 stars; one submission).

gnomAD v4.1: 2 of 1,614,140 alleles (0.00012%); highest among the groups gnomAD compares: Non-Finnish European, 0.00017%; no homozygotes.

Submission:

Labcorp Genetics (formerly Invitae), Labcorp
Classification: Uncertain significance. Last evaluated: 2023-05-06. Review status: criteria provided, single submitter. Criteria: Invitae Variant Classification Sherloc (09022015). Collection method: clinical testing. Allele origin: germline.
Comment: In summary, the available evidence is currently insufficient to determine the role of this variant in disease. Therefore, it has been classified as a Variant of Uncertain Significance. This sequence change replaces asparagine, which is neutral and polar, with threonine, which is neutral and polar, at codon 57 of the VCAN protein (p.Asn57Thr). This variant is not present in population databases (gnomAD no frequency). This variant has not been reported in the literature in individuals affected with VCAN-related conditions. An algorithm developed to predict the effect of missense changes on protein structure and function (PolyPhen-2) suggests that this variant is likely to be disruptive.